The following is an entry in ClinVar:

ClinVar aggregate classification (germline): Likely pathogenic (1 of 4 stars; one submission).

Conditions:
Ehlers-Danlos syndrome due to tenascin-X deficiency (EDSCLL1). Also called: EHLERS-DANLOS SYNDROME, CLASSIC-LIKE; Ehlers-Danlos syndrome, classic-like, 1; TNX DEFICIENCY; TNXB-Related Classical-Like Ehlers-Danlos Syndrome; EDS DUE TO TNX DEFICIENCY. Identifiers: Orphanet 230839, MedGen C1848029, MONDO:0011670, OMIM 606408.
Vesicoureteral reflux 8 (VUR8). Identifiers: Orphanet 289365, MedGen C4014831, MONDO:0014422, OMIM 615963.

Submission:

Juno Genomics, Hangzhou Juno Genomics, Inc
Classification: Likely pathogenic for Vesicoureteral reflux 8; Ehlers-Danlos syndrome due to tenascin-X deficiency. Review status: criteria provided, single submitter. Criteria: ACMG Guidelines, 2015. Collection method: clinical testing. Allele origin: germline.
Comment: Null variant in a gene where loss of function (LOF) is a known mechanism of disease.;Absent from controls (or at extremely low frequency if recessive) in Genome Aggregation Database.

NM_001365276.2(TNXB):c.1404_1407dup (p.Cys470fs)

Gene: TNXB (tenascin XB; minus strand). Cytogenetic location: 6p21.33.
Variant type: Duplication.
Coding change: c.1404_1407dup on transcript NM_001365276.2 (MANE Select); coding-DNA positions 1404 to 1407, 4 bases duplicated (GGAC; older notation c.1404_1407dupGGAC).
Protein change: p.Cys470fs; shifts the reading frame from cysteine 470.
Molecular consequence: frameshift variant.
Genome position (GRCh38, 1-based): chr6:32,096,446-32,096,449, GTCC duplicated on the plus strand (GGAC on the coding strand, the reverse complement: TNXB is on the minus strand). VCF-style (leftmost placement, unchanged base first): chr6-32096445-A-AGTCC. GRCh37 (hg19) VCF-style: chr6-32064222-A-AGTCC.
Other names: c.1404_1407dup, p.Cys470fs (NM_001428335.1, NM_019105.8); short protein forms C470fs.
Identifiers: ClinVar variation 5007034 (VCV005007034.2).